The following is an entry in ClinVar:

NM_003072.5(SMARCA4):c.-72C>T

Genes: SMARCA4 (SWI/SNF related BAF chromatin remodeling complex subunit ATPase 4; plus strand), LOC130063547 (ATAC-STARR-seq lymphoblastoid silent region 10097; plus strand). Cytogenetic location: 19p13.2.
Variant type: single nucleotide variant.
Coding change: c.-72C>T on transcript NM_003072.5 (MANE Select); 72 bases upstream of the start codon, C replaced by T.
Molecular consequence: 5 prime UTR variant. On other transcripts: non-coding transcript variant (1).
Genome position (GRCh38, 1-based): chr19:10,961,134, C>T. VCF-style: chr19-10961134-C-T. GRCh37 (hg19) VCF-style: chr19-11071810-C-T.
Other names: NC_000019.9:g.11071810C>T; c.-148C>T (NM_001128844.3); c.-72C>T (NM_001128847.4, NM_001128849.3); c.-69C>T (NM_001374457.1, NM_001387283.1).
Identifiers: ClinVar variation 328015 (VCV000328015.7), dbSNP rs559144002, ClinGen allele CA10648203.

ClinVar aggregate classification (germline): Likely benign. Review status: criteria provided, multiple submitters, no conflicts (2 of 4 stars). 2 submissions from 2 submitters: Likely benign (2). Last evaluated 2017-04-27.

Conditions:
Coffin-Siris syndrome. Identifiers: Orphanet 1465, MedGen C0265338, MONDO:0015452.

Allele frequency attached by ClinVar (database versions not stated): TOPMed 0.00195; gnomAD 0.00196 and 0.00190; 1000 Genomes Project 0.00319; 1000 Genomes Project 30x 0.00141.

Submissions (4):

Illumina Laboratory Services, Illumina
Classification: Likely benign for Coffin-Siris syndrome. Last evaluated: 2017-04-27. Review status: criteria provided, single submitter. Criteria: ICSL Variant Classification Criteria 13 December 2019. Collection method: clinical testing. Allele origin: germline.
Comment: This variant was observed as part of a predisposition screen in an ostensibly healthy population. A literature search was performed for the gene, cDNA change, and amino acid change (where applicable). No publications were found based on this search. Allele frequency data from public databases allowed determination this variant is unlikely to cause disease. Therefore, this variant is classified as likely benign.

Breakthrough Genomics
Classification: Likely benign. Review status: criteria provided, single submitter. Criteria: ACMG Guidelines, 2015. Collection method: not provided. Allele origin: germline. Inheritance: Autosomal dominant inheritance. Affected: yes.

Dr. Peter K. Rogan Lab, Western University
No classification provided (evidence only). Condition: Ovarian serous cystadenocarcinoma. Review status: no classification provided. Collection method: in vitro. Allele origin: not applicable. Functional consequence: retained intron. Not counted in ClinVar's aggregate classification.

Dr. Peter K. Rogan Lab, Western University
No classification provided (evidence only). Condition: Ovarian serous cystadenocarcinoma. Review status: no classification provided. Collection method: in vitro. Allele origin: not applicable. Functional consequence: retained intron. Not counted in ClinVar's aggregate classification.